The following is an entry in ClinVar:

ClinVar aggregate classification (germline): Benign (1 of 4 stars; one submission).

Conditions:
Posterior column ataxia-retinitis pigmentosa syndrome (RETSNS). Also called: RETINOPATHY-SENSORY NEUROPATHY SYNDROME. Identifiers: Orphanet 88628, MedGen C1836916, MONDO:0012177, OMIM 609033.

Allele frequency attached by ClinVar (database versions not stated): gnomAD 0.00021; TOPMed 0.00038; 1000 Genomes Project 30x 0.00078; 1000 Genomes Project 0.00080.

Submission:

Illumina Laboratory Services, Illumina
Classification: Benign for Posterior column ataxia-retinitis pigmentosa syndrome. Last evaluated: 2018-03-20. Review status: criteria provided, single submitter. Criteria: ICSL Variant Classification Criteria 13 December 2019. Collection method: clinical testing. Allele origin: germline.
Comment: This variant was observed in the ICSL laboratory as part of a predisposition screen in an ostensibly healthy population. It had not been previously curated by ICSL or reported in the Human Gene Mutation Database (HGMD: prior to June 1st, 2018), and was therefore a candidate for classification through an automated scoring system. Utilizing variant allele frequency, disease prevalence and penetrance estimates, and inheritance mode, an automated score was calculated to assess if this variant is too frequent to cause the disease. Based on the score and internal cut-off values, a variant classified as benign is not then subjected to further curation. The score for this variant resulted in a classification of benign for this disease.

NM_017791.3(FLVCR2):c.*910C>A

Gene: FLVCR2 (FLVCR choline and putative heme transporter 2; plus strand). Cytogenetic location: 14q24.3.
Variant type: single nucleotide variant.
Coding change: c.*910C>A on transcript NM_017791.3 (MANE Select); 910 bases downstream of the stop codon, C replaced by A.
Molecular consequence: 3 prime UTR variant.
Genome position (GRCh38, 1-based): chr14:75,647,382, C>A. VCF-style: chr14-75647382-C-A. GRCh37 (hg19) VCF-style: chr14-76113725-C-A.
Other names: c.*910C>A (NM_001195283.2).
Identifiers: ClinVar variation 885350 (VCV000885350.4), dbSNP rs549933844, ClinGen allele CA263683632.